The following is an entry in ClinVar:

NM_020774.4(MIB1):c.2639C>T (p.Pro880Leu)

Gene: MIB1 (MIB E3 ubiquitin protein ligase 1; plus strand). Cytogenetic location: 18q11.2.
Variant type: single nucleotide variant.
Coding change: c.2639C>T on transcript NM_020774.4 (MANE Select); coding-DNA position 2639, C replaced by T.
Protein change: p.Pro880Leu; replaces proline 880 with leucine.
Molecular consequence: missense variant.
Genome position (GRCh38, 1-based): chr18:21,853,192, C>T. VCF-style: chr18-21853192-C-T. GRCh37 (hg19) VCF-style: chr18-19433153-C-T.
Other names: short protein forms P880L.
Identifiers: ClinVar variation 1794154 (VCV001794154.2), dbSNP rs2510599832, ClinGen allele CA401797000.

ClinVar aggregate classification (germline): Uncertain significance (1 of 4 stars; one submission).

Conditions:
Inborn genetic diseases. Identifiers: MedGen C0950123, MeSH D030342.

Submission:

Ambry Genetics
Classification: Uncertain significance for Inborn genetic diseases. Last evaluated: 2021-10-21. Review status: criteria provided, single submitter. Criteria: Ambry Variant Classification Scheme 2023. Collection method: clinical testing. Allele origin: germline.
Comment: The p.P880L variant (also known as c.2639C>T), located in coding exon 18 of the MIB1 gene, results from a C to T substitution at nucleotide position 2639. The proline at codon 880 is replaced by leucine, an amino acid with similar properties. This amino acid position is conserved. In addition, this alteration is predicted to be deleterious by in silico analysis. Since supporting evidence is limited at this time, the clinical significance of this alteration remains unclear.